The following is an entry in ClinVar:

NM_199242.3(UNC13D):c.2095T>C (p.Cys699Arg)

Gene: UNC13D (unc-13 homolog D; minus strand). Cytogenetic location: 17q25.1.
Variant type: single nucleotide variant.
Coding change: c.2095T>C on transcript NM_199242.3 (MANE Select); coding-DNA position 2095, T replaced by C.
Protein change: p.Cys699Arg; replaces cysteine 699 with arginine.
Molecular consequence: missense variant.
Genome position (GRCh38, 1-based): chr17:75,834,528, A>G on the plus strand (T>C on the coding strand, the complement: UNC13D is on the minus strand). VCF-style: chr17-75834528-A-G. GRCh37 (hg19) VCF-style: chr17-73830609-A-G.
Other names: short protein forms C699R.
Identifiers: ClinVar variation 1969908 (VCV001969908.3), dbSNP rs2545980219, ClinGen allele CA401089766.
Genomic context (GRCh38, chr17:75,834,528, plus strand): 5'-GCTGGGCGGGCAACTTGCCGATCACCAGCCGCAGCTGCTCCATGTCATTCACCACCACAC[A>G]CAGCTGGGACAGAGATGCAGAGCTTCCTGAACTGTGCCCAGGCTGGTCCCCACACCCAGC-3'
Protein context (NP_954712.1, residues 689-709): KDQGQAANML[Cys699Arg]VVVNDMEQLR

ClinVar aggregate classification (germline): Uncertain significance. Review status: criteria provided, multiple submitters, no conflicts (2 of 4 stars). 2 submissions from 2 submitters: Uncertain significance (2). Last evaluated 2024-04-29.

Conditions:
Familial hemophagocytic lymphohistiocytosis 3 (FHL3). Also called: UNC13D-Related Familial Hemophagocytic Lymphohistiocytosis (UNC13D-fHLH). Identifiers: Orphanet 540, MedGen C1837174, MONDO:0012146, OMIM 608898.
Inborn genetic diseases. Identifiers: MedGen C0950123, MeSH D030342.

Allele frequency attached by ClinVar (database versions not stated): gnomAD exomes below 0.00001.

Submissions (2):

Ambry Genetics
Classification: Uncertain significance for Inborn genetic diseases. Last evaluated: 2024-04-29. Review status: criteria provided, single submitter. Criteria: Ambry Variant Classification Scheme 2023. Collection method: clinical testing. Allele origin: germline.

Labcorp Genetics (formerly Invitae), Labcorp
Classification: Uncertain significance for Familial hemophagocytic lymphohistiocytosis 3. Last evaluated: 2022-04-09. Review status: criteria provided, single submitter. Criteria: Invitae Variant Classification Sherloc (09022015). Collection method: clinical testing. Allele origin: germline.
Comment: This sequence change replaces cysteine, which is neutral and slightly polar, with arginine, which is basic and polar, at codon 699 of the UNC13D protein (p.Cys699Arg). This variant is not present in population databases (gnomAD no frequency). This variant has not been reported in the literature in individuals affected with UNC13D-related conditions. Algorithms developed to predict the effect of missense changes on protein structure and function are either unavailable or do not agree on the potential impact of this missense change (SIFT: "Not Available"; PolyPhen-2: "Probably Damaging"; Align-GVGD: "Not Available"). In summary, the available evidence is currently insufficient to determine the role of this variant in disease. Therefore, it has been classified as a Variant of Uncertain Significance.